The following is an entry in ClinVar:

NM_003413.4(ZIC3):c.1184_1192del (p.Lys395_Tyr397del)

Gene: ZIC3 (Zic family zinc finger 3; plus strand). Cytogenetic location: Xq26.3.
Variant type: Deletion.
Coding change: c.1184_1192del on transcript NM_003413.4 (MANE Select); coding-DNA positions 1184 to 1192, 9 bases deleted (AGTCCTACA; older notation c.1184_1192delAGTCCTACA).
Protein change: p.Lys395_Tyr397del.
Molecular consequence: inframe deletion.
Genome position (GRCh38, 1-based): chrX:137,569,025-137,569,033, AGTCCTACA deleted; deleting any 9 consecutive bases within chrX:137,569,022-137,569,033 gives the same sequence; the c. name uses the placement nearest the transcript's 3' end. VCF-style (leftmost placement, unchanged base first): chrX-137569021-GACAAGTCCT-G. GRCh37 (hg19) VCF-style: chrX-136651180-GACAAGTCCT-G.
Other names: c.1184_1192del, p.Lys395_Tyr397del (NM_001330661.1).
Identifiers: ClinVar variation 959314 (VCV000959314.9), dbSNP rs1931398545, ClinGen allele CA1139667805.

ClinVar aggregate classification (germline): Uncertain significance (1 of 4 stars; one submission).

Conditions:
Heterotaxy, visceral, 1, X-linked (HTX1). Also called: Laterality, X-linked; Visceral heterotaxia; DEXTROCARDIA WITH OTHER CARDIAC MALFORMATIONS; SITUS INVERSUS, COMPLEX CARDIAC DEFECTS, AND SPLENIC DEFECTS, X-LINKED. Identifiers: Orphanet 450, MedGen C1844020, MONDO:0010607, OMIM 306955.

Submission:

Labcorp Genetics (formerly Invitae), Labcorp
Classification: Uncertain significance for Heterotaxy, visceral, 1, X-linked. Last evaluated: 2019-07-30. Review status: criteria provided, single submitter. Criteria: Invitae Variant Classification Sherloc (09022015). Collection method: clinical testing. Allele origin: germline.
Comment: In summary, the available evidence is currently insufficient to determine the role of this variant in disease. Therefore, it has been classified as a Variant of Uncertain Significance. Experimental studies and prediction algorithms are not available or were not evaluated for this variant, and the functional significance of the affected amino acid(s) is currently unknown. This variant has not been reported in the literature in individuals with ZIC3-related conditions. This variant is not present in population databases (ExAC no frequency). This variant, c.1184_1192del, results in the deletion of 3 amino acid(s) of the ZIC3 protein (p.Lys395_Tyr397del), but otherwise preserves the integrity of the reading frame.